The following is an entry in ClinVar:

ClinVar aggregate classification (germline): Uncertain significance. Review status: criteria provided, multiple submitters, no conflicts (2 of 4 stars). 2 submissions from 2 submitters: Uncertain significance (2). Last evaluated 2024-08-05.

Conditions:
Hereditary cancer-predisposing syndrome. Also called: Neoplastic Syndromes, Hereditary; Hereditary Cancer Syndrome; Tumor predisposition; Hereditary neoplastic syndrome. Identifiers: Orphanet 140162, MedGen C0027672, MeSH D009386, MONDO:0015356.

Allele frequency attached by ClinVar (database versions not stated): gnomAD exomes below 0.00001; ExAC 0.00001.
gnomAD v4.1: 1 of 1,611,174 alleles (0.000062%); highest among the groups gnomAD compares: Non-Finnish European, 0.000085%; no homozygotes.

Submissions (2):

Ambry Genetics
Classification: Uncertain significance for Hereditary cancer-predisposing syndrome. Last evaluated: 2024-08-05. Review status: criteria provided, single submitter. Criteria: Ambry Variant Classification Scheme 2023. Collection method: clinical testing. Allele origin: germline.
Comment: The p.Q288H variant (also known as c.864G>T), located in coding exon 6 of the NTHL1 gene, results from a G to T substitution at nucleotide position 864. The glutamine at codon 288 is replaced by histidine, an amino acid with highly similar properties. This amino acid position is highly conserved in available vertebrate species. In addition, the in silico prediction for this alteration is inconclusive. Based on the available evidence, the clinical significance of this variant remains unclear.

Labcorp Genetics (formerly Invitae), Labcorp
Classification: Uncertain significance. Last evaluated: 2022-05-27. Review status: criteria provided, single submitter. Criteria: Invitae Variant Classification Sherloc (09022015). Collection method: clinical testing. Allele origin: germline.
Comment: The frequency data for this variant in the population databases is considered unreliable, as metrics indicate poor data quality at this position in the gnomAD database. In summary, the available evidence is currently insufficient to determine the role of this variant in disease. Therefore, it has been classified as a Variant of Uncertain Significance. Algorithms developed to predict the effect of missense changes on protein structure and function are either unavailable or do not agree on the potential impact of this missense change (SIFT: "Not Available"; PolyPhen-2: "Benign"; Align-GVGD: "Not Available"). This variant has not been reported in the literature in individuals affected with NTHL1-related conditions. This sequence change replaces glutamine, which is neutral and polar, with histidine, which is basic and polar, at codon 288 of the NTHL1 protein (p.Gln288His).

NM_002528.7(NTHL1):c.840G>T (p.Gln280His)

Gene: NTHL1 (nth like DNA glycosylase 1; minus strand). Cytogenetic location: 16p13.3.
Variant type: single nucleotide variant.
Coding change: c.840G>T on transcript NM_002528.7 (MANE Select); coding-DNA position 840, G replaced by T.
Protein change: p.Gln280His; replaces glutamine 280 with histidine.
Molecular consequence: missense variant.
Genome position (GRCh38, 1-based): chr16:2,039,999, C>A on the plus strand (G>T on the coding strand, the complement: NTHL1 is on the minus strand). VCF-style: chr16-2039999-C-A. GRCh37 (hg19) VCF-style: chr16-2090000-C-A.
Other names: c.669G>T, p.Gln223His (NM_001318193.2); c.510G>T, p.Gln170His (NM_001318194.2); c.864G>T (NM_002528.5); short protein forms Q223H, Q170H, Q280H.
Identifiers: ClinVar variation 1475586 (VCV001475586.9), dbSNP rs772318758, ClinGen allele CA7828082.